The following is an entry in ClinVar:

NM_153717.3(EVC):c.2894+3A>G

Gene: EVC (EvC ciliary complex subunit 1; plus strand). Cytogenetic location: 4p16.2.
Variant type: single nucleotide variant.
Coding change: c.2894+3A>G on transcript NM_153717.3 (MANE Select); 3 bases into the intron after coding-DNA position 2894, A replaced by G.
Molecular consequence: intron variant.
Genome position (GRCh38, 1-based): chr4:5,810,453, A>G. VCF-style: chr4-5810453-A-G. GRCh37 (hg19) VCF-style: chr4-5812180-A-G.
Other names: c.2894+3A>G (NM_001306090.2).
Identifiers: ClinVar variation 488510 (VCV000488510.30), dbSNP rs1424976594, ClinGen allele CA549409031.

ClinVar aggregate classification (germline): Pathogenic/Likely pathogenic. Review status: criteria provided, multiple submitters, no conflicts (2 of 4 stars). 10 submissions from 9 submitters: Pathogenic (7); Likely pathogenic (2). 1 of the submissions does not count toward it. Last evaluated 2026-03-16.

Conditions:
Ellis-van Creveld syndrome (EVC). Also called: Chondroectodermal dysplasia; MESOECTODERMAL DYSPLASIA. Identifiers: Orphanet 289, MedGen C0013903, MONDO:0009162, OMIM 225500.
EVC-related disorder. Also called: EVC-related condition; EVC-related disorders.
Fetal anomalies with a likely genetic cause.
EVC-associated disorder.
Curry-Hall syndrome (WAD). Also called: WEYERS ACRODENTAL DYSOSTOSIS. Identifiers: Orphanet 952, MedGen C0457013, MONDO:0008673, OMIM 193530.

Allele frequency attached by ClinVar (database versions not stated): gnomAD exomes below 0.00001 and 0.00001; TOPMed below 0.00001.
gnomAD v4.1: 4 of 1,607,122 alleles (0.00025%); highest among the groups gnomAD compares: Non-Finnish European, 0.00034%; no homozygotes.

Submissions (10):

Genetics Laboratory, Great Ormond Street Hospital NHS Foundation Trust, North Thames Genomic Laboratory Hub
Classification: Pathogenic for Fetal anomalies with a likely genetic cause. Last evaluated: 2026-03-16. Review status: criteria provided, single submitter. Criteria: ACGS Best Practice Guidelines for Variant Classification in Rare Disease 2024 v1.2. Collection method: clinical testing. Allele origin: germline. Affected: yes.
Comment: PM2_moderate, PVS1_strong, PM3_strong

Natera, Inc.
Classification: Pathogenic for Ellis-van Creveld syndrome. Last evaluated: 2025-07-18. Review status: criteria provided, single submitter. Criteria: Natera Variant Classification Schema (03/2026). Collection method: clinical testing. Allele origin: germline.
Comment: The c.2894+3A>G variant in EVC is an intronic variant located outside the canonical splice sites. This variant is rare in the general population with a frequency below the threshold expected for the associated phenotype(s). This variant has been observed in one or more individuals affected with the associated recessive disease, as either homozygous or compound heterozygous with a second variant (PMID: 23220543, 29321360). Additionally, this variant has been observed to segregate in affected family members (PMID: 29321360). Functional studies show that this variant may disrupt protein function (PMID: 23220543). Computational prediction algorithms indicate this variant is likely to affect gene or protein function. Given the available evidence, this variant is classified as Pathogenic.

Institute of Human Genetics Munich, TUM University Hospital
Classification: Pathogenic for EVC-associated disorder. Last evaluated: 2025-02-18. Review status: criteria provided, single submitter. Criteria: Classification criteria August 2017. Collection method: clinical testing. Allele origin: germline. Inheritance: Autosomal recessive inheritance. Affected: yes. Observed: 1 variant allele.

Labcorp Genetics (formerly Invitae), Labcorp
Classification: Pathogenic for Curry-Hall syndrome; Ellis-van Creveld syndrome. Last evaluated: 2024-11-09. Review status: criteria provided, single submitter. Criteria: Invitae Variant Classification Sherloc (09022015). Collection method: clinical testing. Allele origin: germline.
Comment: This sequence change falls in intron 20 of the EVC gene. It does not directly change the encoded amino acid sequence of the EVC protein. RNA analysis indicates that this variant induces altered splicing and likely disrupts the C-terminus of the protein. This variant is present in population databases (no rsID available, gnomAD 0.002%). This variant has been observed in individuals with Ellis-van Creveld syndrome (PMID: 23220543, 29321360; internal data). ClinVar contains an entry for this variant (Variation ID: 488510). Variants that disrupt the consensus splice site are a relatively common cause of aberrant splicing (PMID: 17576681, 9536098). Studies have shown that this variant results in skipping of exon 20 and introduces a new termination codon (PMID: 23220543). However the mRNA is not expected to undergo nonsense-mediated decay. For these reasons, this variant has been classified as Pathogenic.

Blueprint Genetics
Classification: Pathogenic for EVC-related disorders. Last evaluated: 2024-11-04. Review status: criteria provided, single submitter. Criteria: ACMG Guidelines, 2015. Collection method: clinical testing. Allele origin: germline. Affected: yes. Observed: 5 variant alleles.

Fulgent Genetics
Classification: Pathogenic for Curry-Hall syndrome; Ellis-van Creveld syndrome. Last evaluated: 2024-04-16. Review status: criteria provided, single submitter. Criteria: ACMG Guidelines, 2015. Collection method: clinical testing. Allele origin: germline.

Clinical Genetics Laboratory, Skane University Hospital Lund
Classification: Likely pathogenic. Last evaluated: 2024-02-29. Review status: criteria provided, single submitter. Criteria: ACMG Guidelines, 2015. Collection method: clinical testing. Allele origin: germline. Affected: yes.

Myriad Genetics, Inc.
Classification: Likely pathogenic for Ellis-van Creveld syndrome. Last evaluated: 2021-11-10. Review status: criteria provided, single submitter. Criteria: Myriad Women's Health Autosomal Recessive and X-Linked Classification Criteria (2021). Collection method: clinical testing. Allele origin: unknown.
Comment: NM_153717.2(EVC):c.2894+3A>G is an intronic variant classified as likely pathogenic in the context of EVC-related Ellis-van Creveld syndrome. c.2894+3A>G has been observed in cases with relevant disease (PMID: 23220543, 29321360). Functional assessments of this variant are available in the literature (PMID: 23220543). c.2894+3A>G has been observed in population frequency databases (gnomAD: NFE 0.002%). In summary, NM_153717.2(EVC):c.2894+3A>G is an intronic variant that has been observed more frequently in cases with the relevant disease than in healthy populations. Please note: this variant was assessed in the context of healthy population screening.

Institute of Human Genetics Munich, TUM University Hospital
Classification: Pathogenic for Ellis-van Creveld syndrome. Last evaluated: 2017-12-09. Review status: criteria provided, single submitter. Criteria: Classification criteria August 2017. Collection method: clinical testing. Allele origin: paternal. Inheritance: Autosomal recessive inheritance. Affected: yes. Observed: 1 compound heterozygote.

Genomics England Pilot Project, Genomics England
Classification: Likely pathogenic for Ellis-van Creveld syndrome. Review status: no assertion criteria provided. Criteria: ACGS Guidelines, 2016. Collection method: clinical testing. Allele origin: germline. Affected: yes. Not counted in ClinVar's aggregate classification.

Literature cited by the submitters: PubMed 23220543 (cited by 3 submitters); PubMed 29321360 (cited by 3 submitters); PubMed 17576681 (cited by Labcorp Genetics (formerly Invitae), Labcorp); PubMed 9536098 (cited by Labcorp Genetics (formerly Invitae), Labcorp).